The following is an entry in ClinVar:

ClinVar aggregate classification (germline): Conflicting classifications of pathogenicity. Review status: criteria provided, conflicting classifications (1 of 4 stars). 2 submissions from 2 submitters: Uncertain significance (1); Likely benign (1). Last evaluated 2024-05-10.

Conditions:
Rhabdoid tumor predisposition syndrome 2 (RTPS2). Identifiers: Orphanet 231108, Orphanet 69077, MedGen C2750074, MONDO:0013224, OMIM 613325.
Hereditary cancer-predisposing syndrome. Also called: Neoplastic Syndromes, Hereditary; Hereditary Cancer Syndrome; Tumor predisposition; Hereditary neoplastic syndrome. Identifiers: Orphanet 140162, MedGen C0027672, MeSH D009386, MONDO:0015356.

Submissions (2):

Ambry Genetics
Classification: Likely benign for Hereditary cancer-predisposing syndrome. Last evaluated: 2024-05-10. Review status: criteria provided, single submitter. Criteria: Ambry Variant Classification Scheme 2023. Collection method: clinical testing. Allele origin: germline.

Labcorp Genetics (formerly Invitae), Labcorp
Classification: Uncertain significance for Rhabdoid tumor predisposition syndrome 2. Last evaluated: 2019-12-07. Review status: criteria provided, single submitter. Criteria: Invitae Variant Classification Sherloc (09022015). Collection method: clinical testing. Allele origin: germline.
Comment: In summary, the available evidence is currently insufficient to determine the role of this variant in disease. Therefore, it has been classified as a Variant of Uncertain Significance. Algorithms developed to predict the effect of missense changes on protein structure and function output the following: SIFT: "Tolerated"; PolyPhen-2: "Benign"; Align-GVGD: "Class C0". The glutamic acid amino acid residue is found in multiple mammalian species, suggesting that this missense change does not adversely affect protein function. These predictions have not been confirmed by published functional studies and their clinical significance is uncertain. This variant has not been reported in the literature in individuals with SMARCA4-related conditions. This variant is not present in population databases (ExAC no frequency). This sequence change replaces aspartic acid with glutamic acid at codon 1450 of the SMARCA4 protein (p.Asp1450Glu). The aspartic acid residue is highly conserved and there is a small physicochemical difference between aspartic acid and glutamic acid.

NM_003072.5(SMARCA4):c.4254C>A (p.Asp1418Glu)

Gene: SMARCA4 (SWI/SNF related BAF chromatin remodeling complex subunit ATPase 4; plus strand). Cytogenetic location: 19p13.2.
Variant type: single nucleotide variant.
Coding change: c.4254C>A on transcript NM_003072.5 (MANE Select); coding-DNA position 4254, C replaced by A.
Protein change: p.Asp1418Glu; replaces aspartic acid 1418 with glutamic acid.
Molecular consequence: missense variant. On other transcripts: non-coding transcript variant (1).
Genome position (GRCh38, 1-based): chr19:11,041,390, C>A. VCF-style: chr19-11041390-C-A. GRCh37 (hg19) VCF-style: chr19-11152066-C-A.
Other names: c.4254C>A, p.Asp1418Glu (NM_001128844.3); c.4164C>A, p.Asp1388Glu (NM_001128845.2, NM_001128846.2); c.4155C>A, p.Asp1385Glu (NM_001128847.4, NM_001128848.2, NM_001374457.1); c.4350C>A, p.Asp1450Glu (NM_001128849.3); short protein forms D1385E, D1450E, D1418E, D1388E.
Identifiers: ClinVar variation 852016 (VCV000852016.13), dbSNP rs370380553, ClinGen allele CA404073252.